The following is an entry in ClinVar:

NM_006343.3(MERTK):c.2824A>T (p.Thr942Ser)

Gene: MERTK (MER proto-oncogene, tyrosine kinase; plus strand). Cytogenetic location: 2q13.
Variant type: single nucleotide variant.
Coding change: c.2824A>T on transcript NM_006343.3 (MANE Select); coding-DNA position 2824, A replaced by T.
Protein change: p.Thr942Ser; replaces threonine 942 with serine.
Molecular consequence: missense variant.
Genome position (GRCh38, 1-based): chr2:112,028,688, A>T. VCF-style: chr2-112028688-A-T. GRCh37 (hg19) VCF-style: chr2-112786265-A-T.
Other names: short protein forms T942S.
Identifiers: ClinVar variation 1405446 (VCV001405446.8), dbSNP rs756657513, ClinGen allele CA1831979.

ClinVar aggregate classification (germline): Uncertain significance (1 of 4 stars; one submission).

Allele frequency attached by ClinVar (database versions not stated): TOPMed below 0.00001; ExAC 0.00001; gnomAD 0.00001; gnomAD exomes 0.00001 and 0.00002.
gnomAD v4.1: 10 of 1,614,084 alleles (0.00062%); highest among the groups gnomAD compares: South Asian, 0.011%; no homozygotes.

Submission:

Labcorp Genetics (formerly Invitae), Labcorp
Classification: Uncertain significance. Last evaluated: 2022-03-30. Review status: criteria provided, single submitter. Criteria: Invitae Variant Classification Sherloc (09022015). Collection method: clinical testing. Allele origin: germline.
Comment: This sequence change replaces threonine, which is neutral and polar, with serine, which is neutral and polar, at codon 942 of the MERTK protein (p.Thr942Ser). This variant is present in population databases (rs756657513, gnomAD 0.01%). In summary, the available evidence is currently insufficient to determine the role of this variant in disease. Therefore, it has been classified as a Variant of Uncertain Significance. Algorithms developed to predict the effect of missense changes on protein structure and function output the following: SIFT: "Tolerated"; PolyPhen-2: "Benign"; Align-GVGD: "Class C0". The serine amino acid residue is found in multiple mammalian species, which suggests that this missense change does not adversely affect protein function. This variant has not been reported in the literature in individuals affected with MERTK-related conditions.